The following is an entry in ClinVar:

NM_003922.4(HERC1):c.13937A>G (p.His4646Arg)

Gene: HERC1 (HECT and RLD domain containing E3 ubiquitin protein ligase family member 1; minus strand). Cytogenetic location: 15q22.31.
Variant type: single nucleotide variant.
Coding change: c.13937A>G on transcript NM_003922.4 (MANE Select); coding-DNA position 13937, A replaced by G.
Protein change: p.His4646Arg; replaces histidine 4646 with arginine.
Molecular consequence: missense variant.
Genome position (GRCh38, 1-based): chr15:63,616,434, T>C on the plus strand (A>G on the coding strand, the complement: HERC1 is on the minus strand). VCF-style: chr15-63616434-T-C. GRCh37 (hg19) VCF-style: chr15-63908633-T-C.
Other names: c.13937A>G (NM_003922.3); short protein forms H4646R.
Identifiers: ClinVar variation 2188687 (VCV002188687.2), dbSNP rs766166772, ClinGen allele CA7603620.

ClinVar aggregate classification (germline): Uncertain significance. Review status: criteria provided, multiple submitters, no conflicts (2 of 4 stars). 2 submissions from 2 submitters: Uncertain significance (2). Last evaluated 2024-01-02.

Conditions:
Inborn genetic diseases. Identifiers: MedGen C0950123, MeSH D030342.

Allele frequency attached by ClinVar (database versions not stated): ExAC 0.00001; gnomAD 0.00001; gnomAD exomes 0.00001; TOPMed 0.00001.
gnomAD v4.1: 11 of 1,612,788 alleles (0.00068%); highest among the groups gnomAD compares: African/African-American, 0.0013%; no homozygotes.

Submissions (2):

Ambry Genetics
Classification: Uncertain significance for Inborn genetic diseases. Last evaluated: 2024-01-02. Review status: criteria provided, single submitter. Criteria: Ambry Variant Classification Scheme 2023. Collection method: clinical testing. Allele origin: germline.

Labcorp Genetics (formerly Invitae), Labcorp
Classification: Uncertain significance. Last evaluated: 2022-03-23. Review status: criteria provided, single submitter. Criteria: Invitae Variant Classification Sherloc (09022015). Collection method: clinical testing. Allele origin: germline.
Comment: This sequence change replaces histidine, which is basic and polar, with arginine, which is basic and polar, at codon 4646 of the HERC1 protein (p.His4646Arg). This variant is present in population databases (rs766166772, gnomAD 0.004%). This variant has not been reported in the literature in individuals affected with HERC1-related conditions. Algorithms developed to predict the effect of missense changes on protein structure and function (SIFT, PolyPhen-2, Align-GVGD) all suggest that this variant is likely to be disruptive. In summary, the available evidence is currently insufficient to determine the role of this variant in disease. Therefore, it has been classified as a Variant of Uncertain Significance.